The following is an entry in ClinVar:

NM_000384.3(APOB):c.5417T>G (p.Leu1806Arg)

Gene: APOB (apolipoprotein B; minus strand). Cytogenetic location: 2p24.1.
Variant type: single nucleotide variant.
Coding change: c.5417T>G on transcript NM_000384.3 (MANE Select); coding-DNA position 5417, T replaced by G.
Protein change: p.Leu1806Arg; replaces leucine 1806 with arginine.
Molecular consequence: missense variant.
Genome position (GRCh38, 1-based): chr2:21,011,451, A>C on the plus strand (T>G on the coding strand, the complement: APOB is on the minus strand). VCF-style: chr2-21011451-A-C. GRCh37 (hg19) VCF-style: chr2-21234323-A-C.
Other names: short protein forms L1806R.
Identifiers: ClinVar variation 3231427 (VCV003231427.1), dbSNP rs2465375044, ClinGen allele CA346004760.

ClinVar aggregate classification (germline): Uncertain significance (1 of 4 stars; one submission).

Conditions:
Cardiovascular phenotype. Identifiers: MedGen CN230736.

Submission:

Ambry Genetics
Classification: Uncertain significance for Cardiovascular phenotype. Last evaluated: 2023-11-04. Review status: criteria provided, single submitter. Criteria: Ambry Variant Classification Scheme 2023. Collection method: clinical testing. Allele origin: germline.
Comment: The p.L1806R variant (also known as c.5417T>G), located in coding exon 26 of the APOB gene, results from a T to G substitution at nucleotide position 5417. The leucine at codon 1806 is replaced by arginine, an amino acid with dissimilar properties. This amino acid position is conserved. In addition, this alteration is predicted to be tolerated by in silico analysis. Since supporting evidence is limited at this time, the clinical significance of this alteration remains unclear.